The following is an entry in ClinVar:

NM_023067.4(FOXL2):c.234C>T (p.Ser78=)

Gene: FOXL2 (forkhead box L2; minus strand). Cytogenetic location: 3q22.3.
Variant type: single nucleotide variant.
Coding change: c.234C>T on transcript NM_023067.4 (MANE Select); coding-DNA position 234, C replaced by T.
Protein change: p.Ser78=; no amino-acid change (serine 78 retained).
Molecular consequence: synonymous variant.
Genome position (GRCh38, 1-based): chr3:138,946,489, G>A on the plus strand (C>T on the coding strand, the complement: FOXL2 is on the minus strand). VCF-style: chr3-138946489-G-A. GRCh37 (hg19) VCF-style: chr3-138665331-G-A.
Identifiers: ClinVar variation 3040308 (VCV003040308.2), dbSNP rs778131069, ClinGen allele CA2639792.

ClinVar aggregate classification (germline): Likely benign (0 of 4 stars; one submission).

Conditions:
FOXL2-related disorder. Also called: FOXL2-related condition.

Allele frequency attached by ClinVar (database versions not stated): TOPMed below 0.00001.
gnomAD v4.1: 3 of 1,614,056 alleles (0.00019%); highest among the groups gnomAD compares: Non-Finnish European, 0.00025%; no homozygotes.

Submission:

PreventionGenetics, part of Exact Sciences
Classification: Likely benign for FOXL2-related condition. Last evaluated: 2019-09-20. Review status: no assertion criteria provided. Collection method: clinical testing. Allele origin: germline.
Comment: This variant is classified as likely benign based on ACMG/AMP sequence variant interpretation guidelines (Richards et al. 2015 PMID: 25741868, with internal and published modifications).